The following is an entry in ClinVar:

ClinVar aggregate classification (germline): Uncertain significance. Review status: criteria provided, multiple submitters, no conflicts (2 of 4 stars). 4 submissions from 4 submitters: Uncertain significance (4). Last evaluated 2025-12-14.

Conditions:
Inborn genetic diseases. Identifiers: MedGen C0950123, MeSH D030342.

Allele frequency attached by ClinVar (database versions not stated): ExAC 0.00004; gnomAD 0.00005; gnomAD exomes 0.00005; TOPMed 0.00006.
gnomAD v4.1: 74 of 1,613,458 alleles (0.0046%); highest among the groups gnomAD compares: Non-Finnish European, 0.0059%; no homozygotes.

Submissions (4):

Labcorp Genetics (formerly Invitae), Labcorp
Classification: Uncertain significance. Last evaluated: 2025-12-14. Review status: criteria provided, single submitter. Criteria: Invitae Variant Classification Sherloc (09022015). Collection method: clinical testing. Allele origin: germline.
Comment: This sequence change replaces tyrosine, which is neutral and polar, with phenylalanine, which is neutral and non-polar, at codon 676 of the CDH2 protein (p.Tyr676Phe). This variant is present in population databases (rs199984052, gnomAD 0.007%). This variant has not been reported in the literature in individuals affected with CDH2-related conditions. ClinVar contains an entry for this variant (Variation ID: 2182016). An algorithm developed to predict the effect of missense changes on protein structure and function (PolyPhen-2) suggests that this variant is likely to be disruptive. This variant disrupts the p.Tyr676 amino acid residue in CDH2. Other variant(s) that disrupt this residue have been determined to be pathogenic (PMID: 31585109). This suggests that this residue is clinically significant, and that variants that disrupt this residue are likely to be disease-causing. In summary, the available evidence is currently insufficient to determine the role of this variant in disease. Therefore, it has been classified as a Variant of Uncertain Significance.

Blueprint Genetics
Classification: Uncertain significance. Last evaluated: 2024-09-17. Review status: criteria provided, single submitter. Criteria: ACMG Guidelines, 2015. Collection method: clinical testing. Allele origin: germline.

CeGaT Center for Human Genetics Tuebingen
Classification: Uncertain significance. Last evaluated: 2023-08-01. Review status: criteria provided, single submitter. Criteria: CeGaT Center For Human Genetics Tuebingen Variant Classification Criteria Version 2. Collection method: clinical testing. Allele origin: germline. Affected: yes. Observed: 1 variant allele.
Comment: CDH2: PM5, PM2:Supporting

Ambry Genetics
Classification: Uncertain significance for Inborn genetic diseases. Last evaluated: 2022-12-14. Review status: criteria provided, single submitter. Criteria: Ambry Variant Classification Scheme 2023. Collection method: clinical testing. Allele origin: germline.
Comment: The p.Y676F variant (also known as c.2027A>T), located in coding exon 13 of the CDH2 gene, results from an A to T substitution at nucleotide position 2027. The tyrosine at codon 676 is replaced by phenylalanine, an amino acid with highly similar properties. This amino acid position is conserved. In addition, the in silico prediction for this alteration is inconclusive. Since supporting evidence is limited at this time, the clinical significance of this alteration remains unclear.

Literature cited by the submitters: PubMed 31585109 (cited by Labcorp Genetics (formerly Invitae), Labcorp).

NM_001792.5(CDH2):c.2027A>T (p.Tyr676Phe)

Gene: CDH2 (cadherin 2; minus strand). Cytogenetic location: 18q12.1.
Variant type: single nucleotide variant.
Coding change: c.2027A>T on transcript NM_001792.5 (MANE Select); coding-DNA position 2027, A replaced by T.
Protein change: p.Tyr676Phe; replaces tyrosine 676 with phenylalanine.
Molecular consequence: missense variant.
Genome position (GRCh38, 1-based): chr18:27,985,182, T>A on the plus strand (A>T on the coding strand, the complement: CDH2 is on the minus strand). VCF-style: chr18-27985182-T-A. GRCh37 (hg19) VCF-style: chr18-25565146-T-A.
Other names: c.2027A>T (NM_001792.3); c.1934A>T, p.Tyr645Phe (NM_001308176.2); short protein forms Y645F, Y676F.
Identifiers: ClinVar variation 2182016 (VCV002182016.31), dbSNP rs199984052, ClinGen allele CA8923254.
Genomic context (GRCh38, chr18:27,985,182, plus strand): 5'-AGGATGGAAATATTTGATTTGGGAGGATTACCCGAATCTGTGATTATGATGGGAACTTCA[T>A]AGATACCAGCTTCAAGAAATTTTATCTTTAAATTAAGCTGAGCAAAATCACCTATATGAA-3'
Protein context (NP_001783.2, residues 666-686): LKIKFLEAGI[Tyr676Phe]EVPIIITDSG